The following is an entry in ClinVar:

ClinVar aggregate classification (germline): Benign. Review status: criteria provided, multiple submitters, no conflicts (2 of 4 stars). 4 submissions from 4 submitters: Benign (4). Last evaluated 2024-11-28.

Conditions:
Hydatidiform mole, recurrent, 1 (HYDM1). Identifiers: Orphanet 254688, Orphanet 99927, MedGen C3463897, MONDO:0009273, OMIM 231090. Disease mechanism: loss of function.

Allele frequency attached by ClinVar (database versions not stated): ESP Exome Variant Server 0.17280; 1000 Genomes Project 0.18071; 1000 Genomes Project 30x 0.18161; TOPMed 0.18928.
gnomAD v4.1: 340,410 of 1,612,666 alleles (21%); highest among the groups gnomAD compares: Admixed American, 29%; 36,759 homozygotes.

Submissions (4):

Blueprint Genetics
Classification: Benign. Last evaluated: 2024-11-28. Review status: criteria provided, single submitter. Criteria: ACMG Guidelines, 2015. Collection method: clinical testing. Allele origin: germline.

Illumina Laboratory Services, Illumina
Classification: Benign for Hydatidiform mole, recurrent, 1. Last evaluated: 2018-03-06. Review status: criteria provided, single submitter. Criteria: ICSL Variant Classification Criteria 13 December 2019. Collection method: clinical testing. Allele origin: germline.
Comment: This variant was observed in the ICSL laboratory as part of a predisposition screen in an ostensibly healthy population. It had not been previously curated by ICSL or reported in the Human Gene Mutation Database (HGMD: prior to June 1st, 2018), and was therefore a candidate for classification through an automated scoring system. Utilizing variant allele frequency, disease prevalence and penetrance estimates, and inheritance mode, an automated score was calculated to assess if this variant is too frequent to cause the disease. Based on the score and internal cut-off values, a variant classified as benign is not then subjected to further curation. The score for this variant resulted in a classification of benign for this disease.

Laboratory for Molecular Medicine, Mass General Brigham Personalized Medicine
Classification: Benign. Last evaluated: 2016-03-28. Review status: criteria provided, single submitter. Criteria: LMM Criteria. Collection method: clinical testing. Allele origin: germline.
Comment: Variant identified in a genome or exome case(s) and assessed due to predicted null impact of the variant or pathogenic assertions in the literature or databases. Disclaimer: This variant has not undergone full assessment. The following are preliminary notes: Frequency

Breakthrough Genomics
Classification: Benign. Review status: criteria provided, single submitter. Criteria: ACMG Guidelines, 2015. Collection method: not provided. Allele origin: germline. Inheritance: Autosomal recessive inheritance. Affected: yes.

NM_001127255.2(NLRP7):c.1137G>A (p.Lys379=)

Gene: NLRP7 (NLR family pyrin domain containing 7; minus strand). Cytogenetic location: 19q13.42.
Variant type: single nucleotide variant.
Coding change: c.1137G>A on transcript NM_001127255.2 (MANE Select); coding-DNA position 1137, G replaced by A.
Protein change: p.Lys379=; no amino-acid change (lysine 379 retained).
Molecular consequence: synonymous variant.
Genome position (GRCh38, 1-based): chr19:54,939,682, C>T on the plus strand (G>A on the coding strand, the complement: NLRP7 is on the minus strand). VCF-style: chr19-54939682-C-T. GRCh37 (hg19) VCF-style: chr19-55451050-C-T.
Other names: c.1137G>A, p.Lys379= (NM_001405531.1, NM_139176.4, NM_206828.4).
Identifiers: ClinVar variation 330172 (VCV000330172.11), dbSNP rs10418277, ClinGen allele CA310018474.